The following is an entry in ClinVar:

ClinVar aggregate classification (germline): Uncertain significance (1 of 4 stars; one submission).

Submission:

GeneDx
Classification: Uncertain significance. Last evaluated: 2026-04-14. Review status: criteria provided, single submitter. Criteria: GeneDx Variant Classification Process June 2021. Collection method: clinical testing. Allele origin: germline.
Comment: Not observed at significant frequency in large population cohorts (gnomAD); In silico analysis supports that this missense variant has a deleterious effect on protein structure/function; Has not been previously published as pathogenic or benign to our knowledge.

NM_001615.4(ACTG2):c.260G>T (p.Trp87Leu)

Gene: ACTG2 (actin gamma 2, smooth muscle; plus strand). Cytogenetic location: 2p13.1.
Variant type: single nucleotide variant.
Coding change: c.260G>T on transcript NM_001615.4 (MANE Select); coding-DNA position 260, G replaced by T.
Protein change: p.Trp87Leu; replaces tryptophan 87 with leucine.
Molecular consequence: missense variant.
Genome position (GRCh38, 1-based): chr2:73,908,677, G>T. VCF-style: chr2-73908677-G-T. GRCh37 (hg19) VCF-style: chr2-74135804-G-T.
Other names: c.131G>T, p.Trp44Leu (NM_001199893.2); short protein forms W44L, W87L.
Identifiers: ClinVar variation 5036943 (VCV005036943.1).